The following is an entry in ClinVar:

ClinVar aggregate classification (germline): Pathogenic (1 of 4 stars; one submission).

Conditions:
Epidermodysplasia verruciformis. Identifiers: Orphanet 302, MedGen C0014522, MONDO:0009176.

Allele frequency attached by ClinVar (database versions not stated): TOPMed below 0.00001; gnomAD 0.00001.

Submission:

Labcorp Genetics (formerly Invitae), Labcorp
Classification: Pathogenic for Epidermodysplasia verruciformis. Last evaluated: 2018-07-25. Review status: criteria provided, single submitter. Criteria: Invitae Variant Classification Sherloc (09022015). Collection method: clinical testing. Allele origin: germline.
Comment: For these reasons, this variant has been classified as Pathogenic. Loss-of-function variants in TMC8 are known to be pathogenic (PMID: 12426567, 22158547). This variant has not been reported in the literature in individuals with TMC8-related disease. While this variant is not present in population databases, the frequency information is unreliable, as metrics indicate poor data quality at this position in the ExAC database. This sequence change creates a premature translational stop signal (p.Gln59*) in the TMC8 gene. It is expected to result in an absent or disrupted protein product.

Literature cited by the submitters: PubMed 12426567; PubMed 22158547.

NM_152468.5(TMC8):c.175C>T (p.Gln59Ter)

Genes: TMC6 (transmembrane channel like 6; minus strand), TMC8 (transmembrane channel like 8; plus strand), LOC130061792 (ATAC-STARR-seq lymphoblastoid silent region 9043; plus strand). Cytogenetic location: 17q25.3.
Variant type: single nucleotide variant.
Coding change: c.175C>T on transcript NM_152468.5 (MANE Select); coding-DNA position 175, C replaced by T.
Protein change: p.Gln59Ter; replaces glutamine 59 with a stop codon.
Molecular consequence: nonsense. On other transcripts: intron variant (1).
Genome position (GRCh38, 1-based): chr17:78,131,907, C>T. VCF-style: chr17-78131907-C-T. GRCh37 (hg19) VCF-style: chr17-76127988-C-T.
Other names: c.-75+434G>A (NM_007267.7); short protein forms Q59*.
Identifiers: ClinVar variation 653590 (VCV000653590.7), dbSNP rs1598895511, ClinGen allele CA401239567.